The following is an entry in ClinVar:

ClinVar aggregate classification (germline): Likely pathogenic (1 of 4 stars; one submission).

Conditions:
Oculocutaneous albinism type 1A (OCA1A). Also called: Albinism, oculocutaneous, type IA. Identifiers: Orphanet 352731, Orphanet 79431, MedGen C4551504, MONDO:0008745, OMIM 203100. Disease mechanism: loss of function.

gnomAD v4.1: 2 of 1,613,202 alleles (0.00012%); highest among the groups gnomAD compares: East Asian, 0.0045%; no homozygotes.

Submission:

Laboratoire de Génétique Moléculaire, CHU Bordeaux
Classification: Likely pathogenic for Oculocutaneous albinism type 1A. Last evaluated: 2026-04-08. Review status: criteria provided, single submitter. Criteria: ACMG Guidelines, 2015. Collection method: clinical testing. Allele origin: germline. Inheritance: Autosomal recessive inheritance. Affected: yes. Observed: 1 variant allele, 1 compound heterozygote.
Comment: This variant changes a Proline for a Leucine. It is rare in gnomAD population database (PM2) and is predicted deleterious in silico (PP3). This variant has already been described as pathogenic in an affected patient (Wei et al., JID 2022 PMID 34838614) (PP5). For these reasons this variant is classified as Likely Pathogenic upon ACMG classification.

Literature cited by the submitters: PubMed 34838614.

NM_000372.5(TYR):c.701C>T (p.Pro234Leu)

Gene: TYR (tyrosinase; plus strand). Cytogenetic location: 11q14.3.
Variant type: single nucleotide variant.
Coding change: c.701C>T on transcript NM_000372.5 (MANE Select); coding-DNA position 701, C replaced by T.
Protein change: p.Pro234Leu; replaces proline 234 with leucine.
Molecular consequence: missense variant.
Genome position (GRCh38, 1-based): chr11:89,178,654, C>T. VCF-style: chr11-89178654-C-T. GRCh37 (hg19) VCF-style: chr11-88911822-C-T.
Other names: short protein forms P234L.
Identifiers: ClinVar variation 4819676 (VCV004819676.1).